The following is an entry in ClinVar:

NM_032217.5(ANKRD17):c.2892_2912dup (p.Pro971_Gly972insAlaAlaGlyProLeuProPro)

Gene: ANKRD17 (ankyrin repeat domain 17; minus strand). Cytogenetic location: 4q13.3.
Variant type: Duplication.
Coding change: c.2892_2912dup on transcript NM_032217.5 (MANE Select); coding-DNA positions 2892 to 2912, 21 bases duplicated (GGCGGCAGGTCCCTTGCCTCC).
Protein change: p.Pro971_Gly972insAlaAlaGlyProLeuProPro.
Molecular consequence: intron variant (on NM_198889.3).
Genome position (GRCh38, 1-based): chr4:73,139,704-73,139,724, GGAGGCAAGGGACCTGCCGCC duplicated on the plus strand (GGCGGCAGGTCCCTTGCCTCC on the coding strand, the reverse complement: ANKRD17 is on the minus strand). VCF-style (leftmost placement, unchanged base first): chr4-73139703-T-TGGAGGCAAGGGACCTGCCGCC. GRCh37 (hg19) VCF-style: chr4-74005420-T-TGGAGGCAAGGGACCTGCCGCC.
Other names: c.2553_2573dup, p.Pro858_Gly859insAlaAlaGlyProLeuProPro (NM_001286771.3); c.2892_2912dup, p.Pro971_Gly972insAlaAlaGlyProLeuProPro (NM_015574.2); c.2332+2017_2332+2037dup (NM_198889.3).
Identifiers: ClinVar variation 3236806 (VCV003236806.1), dbSNP rs767369221.
Genomic context (GRCh38, chr4:73,139,703, plus strand): 5'-GCCCAGTACTGGCTGTCCAACTATCACTCCTTGCAGTTCTGTAAGATTTGCGATGGACCC[T>TGGAGGCAAGGGACCTGCCGCC]GGAGGCAAGGGACCTGCCGCCAGAGGCAAAGCTTGAGGCATCGCCAGAGGCTGGATTGGC-3'

ClinVar aggregate classification (germline): Uncertain significance (1 of 4 stars; one submission).

Conditions:
Chopra-Amiel-Gordon syndrome (CAGS). Also called: ANKRD17-Related Neurodevelopmental Syndrome. Identifiers: MedGen C5561975, MONDO:0859186, OMIM 619504.

Allele frequency attached by ClinVar (database versions not stated): gnomAD exomes below 0.00001; ExAC 0.00001.

Submission:

MVZ Medizinische Genetik Mainz
Classification: Uncertain significance for Chopra-Amiel-Gordon syndrome. Last evaluated: 2023-12-01. Review status: criteria provided, single submitter. Criteria: UK Practice Guidelines For Variant Classification V4 01 2020. Collection method: clinical testing. Allele origin: germline. Inheritance: Autosomal dominant inheritance. Affected: yes. Observed: 1 variant allele.
Comment: ACMG Criteria: PM4,PM2_SUP